The following is an entry in ClinVar:

NM_004656.4(BAP1):c.*2G>A

Gene: BAP1 (BRCA1 associated deubiquitinase 1; minus strand). Cytogenetic location: 3p21.1.
Variant type: single nucleotide variant.
Coding change: c.*2G>A on transcript NM_004656.4 (MANE Select); 2 bases downstream of the stop codon, G replaced by A.
Molecular consequence: 3 prime UTR variant.
Genome position (GRCh38, 1-based): chr3:52,402,286, C>T on the plus strand (G>A on the coding strand, the complement: BAP1 is on the minus strand). VCF-style: chr3-52402286-C-T. GRCh37 (hg19) VCF-style: chr3-52436302-C-T.
Other names: c.*2G>A (NM_001410772.1).
Identifiers: ClinVar variation 3379197 (VCV003379197.1).
Genomic context (GRCh38, chr3:52,402,286, plus strand): 5'-GGGAAGGACCCTGGTGAGGGCCACACGGCAAGAGTGGGCTGCAGAGTCAGGGCCAGCAGT[C>T]CTCACTGGCGCTTGGCCTTGTAGGGGCGAGAGCGTTTCCGCCGGTCAGGCTTCCGCTGCT-3'

ClinVar aggregate classification (germline): Benign (1 of 4 stars; one submission).

Conditions:
BAP1-related tumor predisposition syndrome (TPDS1). Also called: BAP1 tumor predisposition syndrome; Tumor susceptibility linked to germline BAP1 mutations; COMMON Syndrome; TUMOR PREDISPOSITION SYNDROME 1. Identifiers: Orphanet 289539, MedGen C3280492, MONDO:0013692, OMIM 614327.

Submission:

Myriad Genetics, Inc.
Classification: Benign for BAP1-related tumor predisposition syndrome. Last evaluated: 2024-09-25. Review status: criteria provided, single submitter. Criteria: Myriad Autosomal Dominant, Autosomal Recessive and X-Linked Classification Criteria (2023). Collection method: clinical testing. Allele origin: unknown.
Comment: This variant is considered benign. This variant occurs in the non-coding 3' untranslated region of the gene, and is not expected to impact protein function.